The following is an entry in ClinVar:

NM_030928.4(CDT1):c.218C>G (p.Ser73Trp)

Gene: CDT1 (chromatin licensing and DNA replication factor 1; plus strand). Cytogenetic location: 16q24.3.
Variant type: single nucleotide variant.
Coding change: c.218C>G on transcript NM_030928.4 (MANE Select); coding-DNA position 218, C replaced by G.
Protein change: p.Ser73Trp; replaces serine 73 with tryptophan.
Molecular consequence: missense variant.
Genome position (GRCh38, 1-based): chr16:88,804,049, C>G. VCF-style: chr16-88804049-C-G. GRCh37 (hg19) VCF-style: chr16-88870457-C-G.
Other names: short protein forms S73W.
Identifiers: ClinVar variation 1352911 (VCV001352911.6), dbSNP rs1908751845, ClinGen allele CA397070711.

ClinVar aggregate classification (germline): Uncertain significance (1 of 4 stars; one submission).

Submission:

Labcorp Genetics (formerly Invitae), Labcorp
Classification: Uncertain significance. Last evaluated: 2023-05-08. Review status: criteria provided, single submitter. Criteria: Invitae Variant Classification Sherloc (09022015). Collection method: clinical testing. Allele origin: germline.
Comment: In summary, the available evidence is currently insufficient to determine the role of this variant in disease. Therefore, it has been classified as a Variant of Uncertain Significance. An algorithm developed to predict the effect of missense changes on protein structure and function (PolyPhen-2) suggests that this variant is likely to be tolerated. ClinVar contains an entry for this variant (Variation ID: 1352911). This variant has not been reported in the literature in individuals affected with CDT1-related conditions. This variant is not present in population databases (gnomAD no frequency). This sequence change replaces serine, which is neutral and polar, with tryptophan, which is neutral and slightly polar, at codon 73 of the CDT1 protein (p.Ser73Trp).